The following is an entry in ClinVar:

NM_000257.4(MYH7):c.5261A>T (p.Lys1754Met)

Genes: MYH7 (myosin heavy chain 7; minus strand), LOC126861897 (BRD4-independent group 4 enhancer GRCh37_chr14:23884455-23885654; plus strand). Cytogenetic location: 14q11.2.
Variant type: single nucleotide variant.
Coding change: c.5261A>T on transcript NM_000257.4 (MANE Select); coding-DNA position 5261, A replaced by T.
Protein change: p.Lys1754Met; replaces lysine 1754 with methionine.
Molecular consequence: missense variant.
Genome position (GRCh38, 1-based): chr14:23,415,403, T>A on the plus strand (A>T on the coding strand, the complement: MYH7 is on the minus strand). VCF-style: chr14-23415403-T-A. GRCh37 (hg19) VCF-style: chr14-23884612-T-A.
Other names: short protein forms K1754M.
Identifiers: ClinVar variation 1398263 (VCV001398263.8), dbSNP rs2138639298, ClinGen allele CA389036128.

ClinVar aggregate classification (germline): Uncertain significance (1 of 4 stars; one submission).

Conditions:
Hypertrophic cardiomyopathy. Also called: HYPERTROPHIC MYOCARDIOPATHY. Identifiers: Orphanet 217569, MedGen C0007194, MeSH D002312, MONDO:0005045, HP:0001639.

Submission:

Labcorp Genetics (formerly Invitae), Labcorp
Classification: Uncertain significance for Hypertrophic cardiomyopathy. Last evaluated: 2021-05-30. Review status: criteria provided, single submitter. Criteria: Invitae Variant Classification Sherloc (09022015). Collection method: clinical testing. Allele origin: germline.
Comment: In summary, the available evidence is currently insufficient to determine the role of this variant in disease. Therefore, it has been classified as a Variant of Uncertain Significance. Algorithms developed to predict the effect of missense changes on protein structure and function are either unavailable or do not agree on the potential impact of this missense change (SIFT: "Deleterious"; PolyPhen-2: "Probably Damaging"; Align-GVGD: "Class C0"). This variant has not been reported in the literature in individuals with MYH7-related conditions. This variant is not present in population databases (ExAC no frequency). This sequence change replaces lysine with methionine at codon 1754 of the MYH7 protein (p.Lys1754Met). The lysine residue is highly conserved and there is a moderate physicochemical difference between lysine and methionine.